The following is an entry in ClinVar:

ClinVar aggregate classification (germline): Likely pathogenic (1 of 4 stars; one submission).

Conditions:
Inborn genetic diseases. Identifiers: MedGen C0950123, MeSH D030342.

Submission:

Ambry Genetics
Classification: Likely pathogenic for Inborn genetic diseases. Last evaluated: 2018-11-08. Review status: criteria provided, single submitter. Criteria: Ambry Variant Classification Scheme 2023. Collection method: clinical testing. Allele origin: germline.
Comment: The c.4957-3A>G intronic variant results from an A to G substitution 3 nucleotides upstream from coding exon 19 in the ATRX gene. This variant has been determined to be the result of a de novo mutation or germline mosaicism in one family with an isolated case of ATRX-related neurodevelopmental disease (Ambry internal data). This variant was not reported in population-based cohorts in the Genome Aggregation Database (gnomAD). This nucleotide position is highly conserved in available vertebrate species. Based on two different splice site prediction tools, this alteration is predicted to abolish the native splice acceptor site and create a new alternate splice acceptor site. RNA studies have demonstrated that this alteration results in abnormal splicing in the set of samples tested (Ambry internal data). Based on the majority of available evidence to date, this variant is likely to be pathogenic.

NM_000489.6(ATRX):c.4957-3A>G

Gene: ATRX (ATRX chromatin remodeler; minus strand). Cytogenetic location: Xq21.1.
Variant type: single nucleotide variant.
Coding change: c.4957-3A>G on transcript NM_000489.6 (MANE Select); 3 bases into the intron before coding-DNA position 4957, A replaced by G.
Molecular consequence: intron variant.
Genome position (GRCh38, 1-based): chrX:77,633,387, T>C on the plus strand (A>G on the coding strand, the complement: ATRX is on the minus strand). VCF-style: chrX-77633387-T-C. GRCh37 (hg19) VCF-style: chrX-76888875-T-C.
Other names: c.4843-3A>G (NM_138270.5).
Identifiers: ClinVar variation 1744356 (VCV001744356.2), dbSNP rs2148338719, ClinGen allele CA2580101413.